The following is an entry in ClinVar:

NM_001106.4(ACVR2B):c.1452G>A (p.Ser484=)

Gene: ACVR2B (activin A receptor type 2B; plus strand). Cytogenetic location: 3p22.2.
Variant type: single nucleotide variant.
Coding change: c.1452G>A on transcript NM_001106.4 (MANE Select); coding-DNA position 1452, G replaced by A.
Protein change: p.Ser484=; no amino-acid change (serine 484 retained).
Molecular consequence: synonymous variant.
Genome position (GRCh38, 1-based): chr3:38,483,245, G>A. VCF-style: chr3-38483245-G-A. GRCh37 (hg19) VCF-style: chr3-38524736-G-A.
Identifiers: ClinVar variation 344919 (VCV000344919.13), dbSNP rs56280856, ClinGen allele CA2319080.
Genomic context (GRCh38, chr3:38,483,245, plus strand): 5'-TGCAGAGGCTCGCTTGTCCGCGGGCTGTGTGGAGGAGCGGGTGTCCCTGATTCGGAGGTC[G>A]GTCAACGGCACTACCTCGGACTGTCTCGTTTCCCTGGTGACCTCTGTCACCAATGTGGAC-3'
Protein context (NP_001097.2, residues 474-494): VEERVSLIRR[Ser484=]VNGTTSDCLV

ClinVar aggregate classification (germline): Benign/Likely benign. Review status: criteria provided, multiple submitters, no conflicts (2 of 4 stars). 2 submissions from 2 submitters: Benign (1); Likely benign (1). Last evaluated 2025-05-25.

Conditions:
Heterotaxy, visceral, 4, autosomal (HTX4). Identifiers: Orphanet 450, MedGen C3151057, MONDO:0013403, OMIM 613751.

Allele frequency attached by ClinVar (database versions not stated): gnomAD exomes 0.00005 and 0.00011; ExAC 0.00013; gnomAD 0.00016 and 0.00017; TOPMed 0.00020.
gnomAD v4.1: 142 of 1,614,004 alleles (0.0088%); highest among the groups gnomAD compares: East Asian, 0.15%; no homozygotes.

Submissions (2):

Labcorp Genetics (formerly Invitae), Labcorp
Classification: Benign for Heterotaxy, visceral, 4, autosomal. Last evaluated: 2025-05-25. Review status: criteria provided, single submitter. Criteria: Invitae Variant Classification Sherloc (09022015). Collection method: clinical testing. Allele origin: germline.

Illumina Laboratory Services, Illumina
Classification: Likely benign for Heterotaxy, visceral, 4, autosomal. Last evaluated: 2018-01-13. Review status: criteria provided, single submitter. Criteria: ICSL Variant Classification Criteria 13 December 2019. Collection method: clinical testing. Allele origin: germline.
Comment: This variant was observed in the ICSL laboratory as part of a predisposition screen in an ostensibly healthy population. It had not been previously curated by ICSL or reported in the Human Gene Mutation Database (HGMD: prior to June 1st, 2018), and was therefore a candidate for classification through an automated scoring system. Utilizing variant allele frequency, disease prevalence and penetrance estimates, and inheritance mode, an automated score was calculated to assess if this variant is too frequent to cause the disease. Based on the score and internal cut-off values, a variant classified as likely benign is not then subjected to further curation. The score for this variant resulted in a classification of likely benign for this disease.